The following is an entry in ClinVar:

NM_000414.4(HSD17B4):c.598A>G (p.Met200Val)

Gene: HSD17B4 (hydroxysteroid 17-beta dehydrogenase 4; plus strand). Cytogenetic location: 5q23.1.
Variant type: single nucleotide variant.
Coding change: c.598A>G on transcript NM_000414.4 (MANE Select); coding-DNA position 598, A replaced by G.
Protein change: p.Met200Val; replaces methionine 200 with valine.
Molecular consequence: missense variant. On other transcripts: non-coding transcript variant (2).
Genome position (GRCh38, 1-based): chr5:119,478,997, A>G. VCF-style: chr5-119478997-A-G. GRCh37 (hg19) VCF-style: chr5-118814692-A-G.
Other names: c.673A>G, p.Met225Val (NM_001199291.3); c.544A>G, p.Met182Val (NM_001199292.2); c.526A>G, p.Met176Val (NM_001292027.2); c.178A>G, p.Met60Val (NM_001292028.2); c.589A>G, p.Met197Val (NM_001374497.1); c.598A>G, p.Met200Val (NM_001374498.1); c.271A>G, p.Met91Val (NM_001374499.1); c.157A>G, p.Met53Val (NM_001374500.1); and 1 more; short protein forms M176V, M182V, M197V, M200V, M225V, M53V, M60V, M63V.
Identifiers: ClinVar variation 2573725 (VCV002573725.2), dbSNP rs1320815482, ClinGen allele CA360866404.

ClinVar aggregate classification (germline): Uncertain significance. Review status: criteria provided, single submitter (1 of 4 stars). 2 submissions from 2 submitters: Uncertain significance (1). 1 of the submissions does not count toward it. Last evaluated 2023-01-24.

Conditions:
Bifunctional peroxisomal enzyme deficiency (DBIF). Also called: DBP DEFICIENCY; PBFE DEFICIENCY; D-bifunctional protein deficiency. Identifiers: Orphanet 300, MedGen C0342870, MONDO:0009855, OMIM 261515. Disease mechanism: loss of function.

gnomAD v4.1: 2 of 1,613,544 alleles (0.00012%); highest among the groups gnomAD compares: Admixed American, 0.0017%; no homozygotes.

Submissions (2):

GeneDx
Classification: Uncertain significance. Last evaluated: 2023-01-24. Review status: criteria provided, single submitter. Criteria: GeneDx Variant Classification Process June 2021. Collection method: clinical testing. Allele origin: germline. Affected: yes.
Comment: Not observed at significant frequency in large population cohorts (gnomAD); In silico analysis supports that this missense variant does not alter protein structure/function; Has not been previously published as pathogenic or benign to our knowledge

Natera, Inc.
Classification: Uncertain significance for Bifunctional peroxisomal enzyme deficiency. Last evaluated: 2025-02-19. Review status: no assertion criteria provided. Collection method: clinical testing. Allele origin: germline. Not counted in ClinVar's aggregate classification.